The following is an entry in ClinVar:

NM_001015880.2(PAPSS2):c.381+24_381+25insAAAAAAAAAAAAAAAAAAAAAAAAAAA

Gene: PAPSS2 (3'-phosphoadenosine 5'-phosphosulfate synthase 2; plus strand). Cytogenetic location: 10q23.31.
Variant type: Insertion.
Coding change: c.381+24_381+25insAAAAAAAAAAAAAAAAAAAAAAAAAAA on transcript NM_001015880.2 (MANE Select); bases 24 to 25 of the intron after coding-DNA position 381, AAAAAAAAAAAAAAAAAAAAAAAAAAA inserted.
Molecular consequence: intron variant.
Genome position: GRCh38 VCF-style: chr10-87713312-T-TAAAAAAAAAAAAAAAAAAAAAAAAAAA. GRCh37 (hg19) VCF-style: chr10-89473069-T-TAAAAAAAAAAAAAAAAAAAAAAAAAAA.
Other names: c.381+24_381+25insAAAAAAAAAAAAAAAAAAAAAAAAAAA (NM_004670.4).
Identifiers: ClinVar variation 4534198 (VCV004534198.6).
Genomic context (GRCh38, chr10:87,713,312, plus strand): 5'-AGCTGTTTGCTGATGCTGGTCTGGTCTGCATTACCAGCTTTATTTCTCCATTCGCAAAGG[T>TAAAAAAAAAAAAAAAAAAAAAAAAAAA]AAAAAAAAAAAAAAAAAAAAAAGGCACTACACACGATTCCCACACACAGTGCAAGTGCTC-3'

ClinVar aggregate classification (germline): Likely benign (1 of 4 stars; one submission).

Submission:

CeGaT Center for Human Genetics Tuebingen
Classification: Likely benign. Last evaluated: 2026-04-01. Review status: criteria provided, single submitter. Criteria: CeGaT Center For Human Genetics Tuebingen Variant Classification Criteria Version 2. Collection method: clinical testing. Allele origin: germline. Affected: yes. Observed: 4 variant alleles.
Comment: PAPSS2: BS2